The following is an entry in ClinVar:

NM_005148.4(UNC119):c.179T>C (p.Ile60Thr)

Genes: UNC119 (unc-119 lipid binding chaperone; minus strand), LOC130060555 (ATAC-STARR-seq lymphoblastoid silent region 8343; plus strand). Cytogenetic location: 17q11.2.
Variant type: single nucleotide variant.
Coding change: c.179T>C on transcript NM_005148.4 (MANE Select); coding-DNA position 179, T replaced by C.
Protein change: p.Ile60Thr; replaces isoleucine 60 with threonine.
Molecular consequence: missense variant. On other transcripts: 5 prime UTR variant (1).
Genome position (GRCh38, 1-based): chr17:28,552,379, A>G on the plus strand (T>C on the coding strand, the complement: UNC119 is on the minus strand). VCF-style: chr17-28552379-A-G. GRCh37 (hg19) VCF-style: chr17-26879397-A-G.
Other names: c.-135T>C (NM_001330166.2); c.179T>C, p.Ile60Thr (NM_054035.2); short protein forms I60T.
Identifiers: ClinVar variation 1470775 (VCV001470775.8), dbSNP rs1482426111, ClinGen allele CA398335699.

ClinVar aggregate classification (germline): Uncertain significance (1 of 4 stars; one submission).

Allele frequency attached by ClinVar (database versions not stated): TOPMed below 0.00001; gnomAD 0.00001.
gnomAD v4.1: 2 of 1,548,614 alleles (0.00013%); highest among the groups gnomAD compares: East Asian, 0.0048%; no homozygotes.

Submission:

Labcorp Genetics (formerly Invitae), Labcorp
Classification: Uncertain significance. Last evaluated: 2024-02-23. Review status: criteria provided, single submitter. Criteria: Invitae Variant Classification Sherloc (09022015). Collection method: clinical testing. Allele origin: germline.
Comment: This sequence change replaces isoleucine, which is neutral and non-polar, with threonine, which is neutral and polar, at codon 60 of the UNC119 protein (p.Ile60Thr). The frequency data for this variant in the population databases is considered unreliable, as metrics indicate poor data quality at this position in the gnomAD database. This variant has not been reported in the literature in individuals affected with UNC119-related conditions. ClinVar contains an entry for this variant (Variation ID: 1470775). An algorithm developed to predict the effect of missense changes on protein structure and function (PolyPhen-2) suggests that this variant is likely to be tolerated. In summary, the available evidence is currently insufficient to determine the role of this variant in disease. Therefore, it has been classified as a Variant of Uncertain Significance.